The following is an entry in ClinVar:

ClinVar aggregate classification (germline): Pathogenic (1 of 4 stars; one submission).

Conditions:
Granulomatous disease, chronic, X-linked. Also called: CYTOCHROME b-NEGATIVE GRANULOMATOUS DISEASE, CHRONIC, X-LINKED; GRANULOMATOUS DISEASE, CHRONIC, X-LINKED, SOMATIC MOSAIC. Identifiers: Orphanet 379, MedGen C1844376, MONDO:0010600, OMIM 306400.

Submission:

Labcorp Genetics (formerly Invitae), Labcorp
Classification: Pathogenic for Granulomatous disease, chronic, X-linked. Last evaluated: 2023-07-14. Review status: criteria provided, single submitter. Criteria: Invitae Variant Classification Sherloc (09022015). Collection method: clinical testing. Allele origin: germline.
Comment: For these reasons, this variant has been classified as Pathogenic. This variant disrupts a region of the CYBB protein in which other variant(s) (p.Glu568Lys) have been determined to be pathogenic (PMID: 10627478, 20724480; Invitae). This suggests that this is a clinically significant region of the protein, and that variants that disrupt it are likely to be disease-causing. ClinVar contains an entry for this variant (Variation ID: 1068155). This variant has not been reported in the literature in individuals affected with CYBB-related conditions. This variant is not present in population databases (gnomAD no frequency). This sequence change creates a premature translational stop signal (p.Pro558Leufs*19) in the CYBB gene. While this is not anticipated to result in nonsense mediated decay, it is expected to disrupt the last 13 amino acid(s) of the CYBB protein.

Literature cited by the submitters: PubMed 10627478; PubMed 20724480.

NM_000397.4(CYBB):c.1673del (p.Pro558fs)

Gene: CYBB (cytochrome b-245 beta chain; plus strand). Cytogenetic location: Xp11.4.
Variant type: Deletion.
Coding change: c.1673del on transcript NM_000397.4 (MANE Select); coding-DNA position 1673, one base deleted (C; older notation c.1673delC).
Protein change: p.Pro558fs; shifts the reading frame from proline 558.
Molecular consequence: frameshift variant.
Genome position (GRCh38, 1-based): chrX:37,810,877, C deleted; the last of 3 consecutive C bases (chrX:37,810,875-37,810,877); deleting any one gives the same sequence. VCF-style (leftmost placement, unchanged base first): chrX-37810874-GC-G. GRCh37 (hg19) VCF-style: chrX-37670127-GC-G.
Other names: short protein forms P558fs.
Identifiers: ClinVar variation 1068155 (VCV001068155.9), dbSNP rs2146822068, ClinGen allele CA2499226681.